The following is an entry in ClinVar:

NM_006206.6(PDGFRA):c.1460G>A (p.Arg487His)

Gene: PDGFRA (platelet derived growth factor receptor alpha; plus strand). Cytogenetic location: 4q12.
Variant type: single nucleotide variant.
Coding change: c.1460G>A on transcript NM_006206.6 (MANE Select); coding-DNA position 1460, G replaced by A.
Protein change: p.Arg487His; replaces arginine 487 with histidine.
Molecular consequence: missense variant.
Genome position (GRCh38, 1-based): chr4:54,273,632, G>A. VCF-style: chr4-54273632-G-A. GRCh37 (hg19) VCF-style: chr4-55139799-G-A.
Other names: c.1460G>A, p.Arg487His (NM_001347827.2, NM_001347829.2); c.1535G>A, p.Arg512His (NM_001347828.2); c.1499G>A, p.Arg500His (NM_001347830.2); short protein forms R487H, R500H, R512H.
Identifiers: ClinVar variation 528508 (VCV000528508.17), dbSNP rs764214258, ClinGen allele CA2922575.
Genomic context (GRCh38, chr4:54,273,632, plus strand): 5'-ACAATGTCTCAAACATCATCACGGAGATCCACTCCCGAGACAGGAGTACCGTGGAGGGCC[G>A]TGTGACTTTCGCCAAAGTGGAGGAGACCATCGCCGTGCGATGCCTGGCTAAGAATCTCCT-3'
Protein context (NP_006197.1, residues 477-497): HSRDRSTVEG[Arg487His]VTFAKVEETI

ClinVar aggregate classification (germline): Conflicting classifications of pathogenicity. Review status: criteria provided, conflicting classifications (1 of 4 stars). 4 submissions from 4 submitters: Uncertain significance (3); Likely benign (1). Last evaluated 2025-11-19.

Conditions:
Hereditary cancer-predisposing syndrome. Also called: Tumor predisposition; Hereditary neoplastic syndrome; Hereditary Cancer Syndrome; Neoplastic Syndromes, Hereditary. Identifiers: Orphanet 140162, MedGen C0027672, MeSH D009386, MONDO:0015356.
Gastrointestinal stromal tumor. Also called: Gastrointestinal stroma tumor; Gastrointestinal stromal tumor, somatic. Identifiers: Orphanet 44890, MedGen C0238198, MeSH D046152, MONDO:0011719, OMIM 606764, HP:0100723.
Polyps, multiple and recurrent inflammatory fibroid, gastrointestinal. Identifiers: MedGen C5193005, MONDO:0008285, OMIM 175510.

Allele frequency attached by ClinVar (database versions not stated): gnomAD exomes 0.00002; ExAC 0.00003; TOPMed 0.00003; gnomAD 0.00004.
gnomAD v4.1: 32 of 1,613,812 alleles (0.002%); highest among the groups gnomAD compares: African/African-American, 0.016%; no homozygotes.

Submissions (4):

Labcorp Genetics (formerly Invitae), Labcorp
Classification: Uncertain significance for Gastrointestinal stromal tumor. Last evaluated: 2025-11-19. Review status: criteria provided, single submitter. Criteria: Invitae Variant Classification Sherloc (09022015). Collection method: clinical testing. Allele origin: germline.
Comment: This sequence change replaces arginine, which is basic and polar, with histidine, which is basic and polar, at codon 487 of the PDGFRA protein (p.Arg487His). This variant is present in population databases (rs764214258, gnomAD 0.01%). This variant has not been reported in the literature in individuals affected with PDGFRA-related conditions. ClinVar contains an entry for this variant (Variation ID: 528508). Invitae Evidence Modeling of protein sequence and biophysical properties (such as structural, functional, and spatial information, amino acid conservation, physicochemical variation, residue mobility, and thermodynamic stability) indicates that this missense variant is not expected to disrupt PDGFRA protein function with a negative predictive value of 80%. In summary, the available evidence is currently insufficient to determine the role of this variant in disease. Therefore, it has been classified as a Variant of Uncertain Significance.

Baylor Genetics
Classification: Uncertain significance for Polyps, multiple and recurrent inflammatory fibroid, gastrointestinal. Last evaluated: 2023-08-31. Review status: criteria provided, single submitter. Criteria: ACMG Guidelines, 2015. Collection method: clinical testing. Allele origin: unknown.

Ambry Genetics
Classification: Likely benign for Hereditary cancer-predisposing syndrome. Last evaluated: 2021-12-03. Review status: criteria provided, single submitter. Criteria: Ambry Variant Classification Scheme 2023. Collection method: clinical testing. Allele origin: germline.

St. Jude Molecular Pathology, St. Jude Children's Research Hospital
Classification: Uncertain significance for Polyps, multiple and recurrent inflammatory fibroid, gastrointestinal. Last evaluated: 2021-09-09. Review status: criteria provided, single submitter. Criteria: St. Jude Assertion Criteria 2020. Collection method: clinical testing. Allele origin: germline.
Comment: The PDGFRA c.1460G>A (p.Arg487His) missense change has a maximum frequency of 0.010% in gnomAD v2.1.1. Seven of seven in silico tools predict a benign effect of this variant on protein function (BP4), but to our knowledge these predictions have not been confirmed by functional assays. To our knowledge, this variant has not been reported in individuals with PDGFRA-related conditions. In summary, this variant meets criteria to be classified as of uncertain significance based on the ACMG/AMP criteria: BP4.